The following is an entry in ClinVar:

ClinVar aggregate classification (germline): Pathogenic. Review status: criteria provided, multiple submitters, no conflicts (2 of 4 stars). 4 submissions from 4 submitters: Pathogenic (4). Last evaluated 2024-05-07.

Conditions:
Neurofibromatosis, type 1 (NF1). Also called: VON RECKLINGHAUSEN DISEASE; Peripheral type neurofibromatosis; NEUROFIBROMATOSIS, TYPE I, SOMATIC; Neurofibromatosis, type I. Identifiers: Orphanet 636, MedGen C0027831, MONDO:0018975, OMIM 162200. Disease mechanism: loss of function.

Submissions (6):

Institute of Human Genetics, University of Leipzig Medical Center
Classification: Pathogenic for Neurofibromatosis, type 1. Last evaluated: 2024-05-07. Review status: criteria provided, single submitter. Criteria: ACMG Guidelines, 2015. Collection method: clinical testing. Allele origin: unknown. Inheritance: Autosomal dominant inheritance. Affected: yes.
Comment: Criteria applied: PVS1,PM2_SUP, PP4

Labcorp Genetics (formerly Invitae), Labcorp
Classification: Pathogenic for Neurofibromatosis, type 1. Last evaluated: 2024-02-16. Review status: criteria provided, single submitter. Criteria: Invitae Variant Classification Sherloc (09022015). Collection method: clinical testing. Allele origin: germline.
Comment: This sequence change affects an acceptor splice site in intron 46 of the NF1 gene. It is expected to disrupt RNA splicing. Variants that disrupt the donor or acceptor splice site typically lead to a loss of protein function (PMID: 16199547), and loss-of-function variants in NF1 are known to be pathogenic (PMID: 10712197, 23913538). This variant is not present in population databases (gnomAD no frequency). Disruption of this splice site has been observed in individual(s) with neurofibromatosis type 1 (PMID: 23913538, 26740943, 31533651; Invitae). ClinVar contains an entry for this variant (Variation ID: 1070419). Algorithms developed to predict the effect of sequence changes on RNA splicing suggest that this variant may disrupt the consensus splice site. For these reasons, this variant has been classified as Pathogenic.

Genome-Nilou Lab
Classification: Pathogenic for Neurofibromatosis, type 1. Last evaluated: 2022-03-15. Review status: criteria provided, single submitter. Criteria: ACMG Guidelines, 2015. Collection method: clinical testing. Allele origin: germline. Affected: no.

GeneDx
Classification: Pathogenic. Last evaluated: 2021-05-05. Review status: criteria provided, single submitter. Criteria: GeneDx Variant Classification Process June 2021. Collection method: clinical testing. Allele origin: germline. Affected: yes.
Comment: Canonical splice site variant demonstrated to result in protein truncation or nonsense mediated decay in a gene for which loss-of-function is a known mechanism of disease (Sabbagh 2013); Not observed in large population cohorts (Lek 2016); This variant is associated with the following publications: (PMID: 23913538)

Dr. Peter K. Rogan Lab, Western University
No classification provided (evidence only). Condition: Melanoma. Review status: no classification provided. Collection method: in vitro. Allele origin: not applicable. Functional consequence: retained intron. Not counted in ClinVar's aggregate classification.

MutSpliceDB: a database of splice sites variants effects on splicing, NIH
No classification provided (evidence only). Review status: no classification provided. Collection method: in vivo. Allele origin: not applicable. Functional consequence: retained intron. Not counted in ClinVar's aggregate classification.

Literature cited by the submitters: PubMed 16199547 (cited by Labcorp Genetics (formerly Invitae), Labcorp); PubMed 10712197 (cited by Labcorp Genetics (formerly Invitae), Labcorp); PubMed 23913538 (cited by Labcorp Genetics (formerly Invitae), Labcorp); PubMed 26740943 (cited by Labcorp Genetics (formerly Invitae), Labcorp); PubMed 31533651 (cited by Labcorp Genetics (formerly Invitae), Labcorp).

NM_001042492.3(NF1):c.7063-1G>A

Gene: NF1 (neurofibromin 1; plus strand). Cytogenetic location: 17q11.2.
Variant type: single nucleotide variant.
Coding change: c.7063-1G>A on transcript NM_001042492.3 (MANE Select); the canonical splice acceptor site of the intron before coding-DNA position 7063, G replaced by A.
Molecular consequence: splice acceptor variant.
Genome position (GRCh38, 1-based): chr17:31,343,008, G>A. VCF-style: chr17-31343008-G-A. GRCh37 (hg19) VCF-style: chr17-29670026-G-A.
Other names: c.7000-1G>A (NM_000267.4).
Identifiers: ClinVar variation 1070419 (VCV001070419.14), dbSNP rs1131691114, ClinGen allele CA399015496.